The following is an entry in ClinVar:

NC_000001.11:g.230704308A>G

Gene: AGT (angiotensinogen; minus strand). Cytogenetic location: 1q42.2.
Variant type: single nucleotide variant.
Genome position: GRCh38 VCF-style: chr1-230704308-A-G. GRCh37 (hg19) VCF-style: chr1-230840054-A-G.
Other names: NM_000029.3:c.1154T>C; NM_000029.4:c.1154T>C; p.Val385Ala.
Identifiers: ClinVar variation 296075 (VCV000296075.19), dbSNP rs61731499, ClinGen allele CA1448110.

ClinVar aggregate classification (germline): Likely benign. Review status: criteria provided, multiple submitters, no conflicts (2 of 4 stars). 6 submissions from 6 submitters: Likely benign (5). 1 of the submissions does not count toward it. Last evaluated 2026-01-05.

Conditions:
AGT-related disorder. Also called: AGT-related condition.
Renal tubular dysgenesis. Also called: Renotubular dysgenesis. Identifiers: Orphanet 3033, MedGen C0266313, MONDO:0017609, HP:0008660.

Allele frequency attached by ClinVar (database versions not stated): gnomAD exomes 0.00020 and 0.00055; ExAC 0.00076; gnomAD 0.00182 and 0.00195; 1000 Genomes Project 30x 0.00187; ESP Exome Variant Server 0.00284; 1000 Genomes Project 0.00220; TOPMed 0.00225.
gnomAD v4.1: 585 of 1,614,180 alleles (0.036%); highest among the groups gnomAD compares: African/African-American, 0.68%; 2 homozygotes.

Submissions (6):

Labcorp Genetics (formerly Invitae), Labcorp
Classification: Likely benign. Last evaluated: 2026-01-05. Review status: criteria provided, single submitter. Criteria: Invitae Variant Classification Sherloc (09022015). Collection method: clinical testing. Allele origin: germline.

Mayo Clinic Laboratories, Mayo Clinic
Classification: Likely benign. Last evaluated: 2025-12-07. Review status: criteria provided, single submitter. Criteria: ACMG Guidelines, 2015. Collection method: clinical testing. Allele origin: germline. Observed: 1 variant allele.
Comment: BS1, BP4_moderate

Blueprint Genetics
Classification: Likely benign. Last evaluated: 2024-11-13. Review status: criteria provided, single submitter. Criteria: ACMG Guidelines, 2015. Collection method: clinical testing. Allele origin: germline.

Illumina Laboratory Services, Illumina
Classification: Likely benign for Renal tubular dysgenesis of genetic origin. Last evaluated: 2018-01-12. Review status: criteria provided, single submitter. Criteria: ICSL Variant Classification Criteria 13 December 2019. Collection method: clinical testing. Allele origin: germline.
Comment: This variant was observed in the ICSL laboratory as part of a predisposition screen in an ostensibly healthy population. It had not been previously curated by ICSL or reported in the Human Gene Mutation Database (HGMD: prior to June 1st, 2018), and was therefore a candidate for classification through an automated scoring system. Utilizing variant allele frequency, disease prevalence and penetrance estimates, and inheritance mode, an automated score was calculated to assess if this variant is too frequent to cause the disease. Based on the score and internal cut-off values, a variant classified as likely benign is not then subjected to further curation. The score for this variant resulted in a classification of likely benign for this disease.

Breakthrough Genomics
Classification: Likely benign. Review status: criteria provided, single submitter. Criteria: ACMG Guidelines, 2015. Collection method: not provided. Allele origin: germline. Inheritance: Autosomal recessive inheritance. Affected: yes.

PreventionGenetics, part of Exact Sciences
Classification: Likely benign for AGT-related condition. Last evaluated: 2021-04-22. Review status: no assertion criteria provided. Collection method: clinical testing. Allele origin: germline. Not counted in ClinVar's aggregate classification.
Comment: This variant is classified as likely benign based on ACMG/AMP sequence variant interpretation guidelines (Richards et al. 2015 PMID: 25741868, with internal and published modifications).